The following is an entry in ClinVar:

ClinVar aggregate classification (germline): Likely benign. Review status: criteria provided, multiple submitters, no conflicts (2 of 4 stars). 2 submissions from 2 submitters: Likely benign (2). Last evaluated 2026-08-01.

Conditions:
Bethlem myopathy 1A. Also called: Bethlem Muscular Dystrophy; MYOPATHY, BENIGN CONGENITAL, WITH CONTRACTURES; Bethlem myopathy 1. Identifiers: Orphanet 610, MedGen CN029274, MONDO:0024530, OMIM 158810.

Allele frequency attached by ClinVar (database versions not stated): TOPMed 0.00001; 1000 Genomes Project 30x 0.00016; 1000 Genomes Project 0.00020; gnomAD exomes below 0.00001.
gnomAD v4.1: 26 of 1,612,728 alleles (0.0016%); highest among the groups gnomAD compares: East Asian, 0.0067%; no homozygotes.

Submissions (2):

CeGaT Center for Human Genetics Tuebingen
Classification: Likely benign. Last evaluated: 2026-08-01. Review status: criteria provided, single submitter. Criteria: CeGaT Center For Human Genetics Tuebingen Variant Classification Criteria Version 2. Collection method: clinical testing. Allele origin: germline. Affected: yes. Observed: 1 variant allele.
Comment: COL6A2: BP4, BP7

Labcorp Genetics (formerly Invitae), Labcorp
Classification: Likely benign for Bethlem myopathy 1A. Last evaluated: 2025-10-13. Review status: criteria provided, single submitter. Criteria: Invitae Variant Classification Sherloc (09022015). Collection method: clinical testing. Allele origin: germline.

NM_001849.4(COL6A2):c.1449C>T (p.Pro483=)

Gene: COL6A2 (collagen type VI alpha 2 chain; plus strand). Cytogenetic location: 21q22.3.
Variant type: single nucleotide variant.
Coding change: c.1449C>T on transcript NM_001849.4 (MANE Select); coding-DNA position 1449, C replaced by T.
Protein change: p.Pro483=; no amino-acid change (proline 483 retained).
Molecular consequence: synonymous variant.
Genome position (GRCh38, 1-based): chr21:46,121,114, C>T. VCF-style: chr21-46121114-C-T. GRCh37 (hg19) VCF-style: chr21-47541028-C-T.
Other names: c.1449C>T, p.Pro483= (NM_058174.3, NM_058175.3).
Identifiers: ClinVar variation 722220 (VCV000722220.12), dbSNP rs528087300, ClinGen allele CA321967110.